The following is an entry in ClinVar:

NM_000520.6(HEXA):c.672+1G>T

Gene: HEXA (hexosaminidase subunit alpha; minus strand). Cytogenetic location: 15q23.
Variant type: single nucleotide variant.
Coding change: c.672+1G>T on transcript NM_000520.6 (MANE Select); the canonical splice donor site of the intron after coding-DNA position 672, G replaced by T.
Molecular consequence: splice donor variant.
Genome position (GRCh38, 1-based): chr15:72,351,132, C>A on the plus strand (G>T on the coding strand, the complement: HEXA is on the minus strand). VCF-style: chr15-72351132-C-A. GRCh37 (hg19) VCF-style: chr15-72643473-C-A.
Other names: c.705+1G>T (NM_001318825.2).
Identifiers: ClinVar variation 2914532 (VCV002914532.3), dbSNP rs387906311, ClinGen allele CA393063417.

ClinVar aggregate classification (germline): Pathogenic (1 of 4 stars; one submission).

Conditions:
Tay-Sachs disease (TSD). Also called: HEXA Disorders; HEXA DEFICIENCY; GM2 gangliosidosis, type 1; Hexosaminidase alpha-subunit deficiency (variant B); Sphingolipidosis, Tay-Sachs; Hexosaminidase A Deficiency. Identifiers: Orphanet 845, MedGen C0039373, MONDO:0010100, OMIM 272800.

gnomAD v4.1: 1 of 1,586,148 alleles (0.000063%); highest among the groups gnomAD compares: Non-Finnish European, 0.000087%; no homozygotes.

Submission:

Labcorp Genetics (formerly Invitae), Labcorp
Classification: Pathogenic for Tay-Sachs disease. Last evaluated: 2023-03-17. Review status: criteria provided, single submitter. Criteria: Invitae Variant Classification Sherloc (09022015). Collection method: clinical testing. Allele origin: germline.
Comment: Studies have shown that disruption of this splice site results in skipping of exon 6, but is expected to preserve the integrity of the reading-frame (PMID: 8490625). This sequence change affects a donor splice site in intron 6 of the HEXA gene. RNA analysis indicates that disruption of this splice site induces altered splicing and likely results in a shortened protein product. This variant is not present in population databases (gnomAD no frequency). Disruption of this splice site has been observed in individual(s) with clinical features of hexosaminidase A deficiency (PMID: 14566483, 17015493). For these reasons, this variant has been classified as Pathogenic.

Literature cited by the submitters: PubMed 8490625; PubMed 14566483; PubMed 17015493.